The following is an entry in ClinVar:

NM_004409.5(DMPK):c.*224CTG[490]

Genes: DM1-AS (DM1 locus antisense RNA; plus strand), DMPK (DM1 protein kinase; minus strand), LOC107075317 (origin of replication in DMPK trinucleotide repeat region; plus strand), LOC109461477 (dystrophia myotonica protein kinase repeat instability region; plus strand). Cytogenetic location: 19q13.32.
Variant type: Microsatellite.
Coding change: c.*224CTG[490] on transcript NM_004409.5 (MANE Select); 490 copies in a row of the 3-base unit CTG starting at c.*224.
Molecular consequence: 3 prime UTR variant.
Genome position: GRCh38, VCF-style position (the base before the change): chr19:45,770,204. GRCh37 (hg19), VCF-style position (the base before the change): chr19:46,273,462.
Other names: DM1 CTG repeat expansion; c.*217CTG[490] (NM_001081562.3, NM_001288765.2, NM_001424162.1 and 2 more transcripts); c.*222_*224TGC[490] (NM_001081563.3); c.*224CTG[490] (NM_001288764.2, NM_001424165.1, NM_001424169.1 and 1 more transcripts); c.*369CTG[490] (NM_001288766.2, NM_001424164.1, NM_001424168.1).
Identifiers: ClinVar variation 187991 (VCV000187991.1), ClinGen allele CA915951812.

ClinVar aggregate classification (germline): Pathogenic (0 of 4 stars; one submission).

Conditions:
Steinert myotonic dystrophy syndrome (DM1). Also called: STEINERT DISEASE; Myotonic dystrophy type 1; Dystrophia myotonica type 1; Steinert myotonic dystrophy; Steinert's disease. Identifiers: Orphanet 273, MedGen C3250443, MONDO:0008056, OMIM 160900.

Submission:

Institute of Molecular, Cell and Systems Biology, University of Glasgow
Classification: Pathogenic for Steinert myotonic dystrophy syndrome. Review status: no assertion criteria provided. Criteria: research. Collection method: research. Allele origin: germline. Inheritance: Autosomal dominant inheritance. Affected: yes. Observed: 1 heterozygote.
Comment: DMPK CTG repeat expansions greater than approximately 45-50 repeats are assumed to be pathogenic

This record is based on data published in PubMed 25052313, which reports only ClinVar accessions SCV000120188 and SCV000120189. The complete data set includes SCV000207445 - SCV000207579.

Literature cited by the submitters: PubMed 1346923; PubMed 1546326; PubMed 25052313.